The following is an entry in ClinVar:

NM_004836.7(EIF2AK3):c.1999C>G (p.Gln667Glu)

Gene: EIF2AK3 (eukaryotic translation initiation factor 2 alpha kinase 3; minus strand). Cytogenetic location: 2p11.2.
Variant type: single nucleotide variant.
Coding change: c.1999C>G on transcript NM_004836.7 (MANE Select); coding-DNA position 1999, C replaced by G.
Protein change: p.Gln667Glu; replaces glutamine 667 with glutamic acid.
Molecular consequence: missense variant.
Genome position (GRCh38, 1-based): chr2:88,576,591, G>C on the plus strand (C>G on the coding strand, the complement: EIF2AK3 is on the minus strand). VCF-style: chr2-88576591-G-C. GRCh37 (hg19) VCF-style: chr2-88876109-G-C.
Other names: c.1546C>G, p.Gln516Glu (NM_001313915.2); short protein forms Q667E, Q516E.
Identifiers: ClinVar variation 1973386 (VCV001973386.5), dbSNP rs1336637096, ClinGen allele CA347593155.

ClinVar aggregate classification (germline): Uncertain significance (1 of 4 stars; one submission).

Allele frequency attached by ClinVar (database versions not stated): gnomAD exomes below 0.00001.
gnomAD v4.1: 1 of 1,613,836 alleles (0.000062%); highest among the groups gnomAD compares: South Asian, 0.0011%; no homozygotes.

Submission:

Labcorp Genetics (formerly Invitae), Labcorp
Classification: Uncertain significance. Last evaluated: 2022-06-25. Review status: criteria provided, single submitter. Criteria: Invitae Variant Classification Sherloc (09022015). Collection method: clinical testing. Allele origin: germline.
Comment: This variant has not been reported in the literature in individuals affected with EIF2AK3-related conditions. Algorithms developed to predict the effect of missense changes on protein structure and function are either unavailable or do not agree on the potential impact of this missense change (SIFT: "Tolerated"; PolyPhen-2: "Probably Damaging"; Align-GVGD: "Class C0"). In summary, the available evidence is currently insufficient to determine the role of this variant in disease. Therefore, it has been classified as a Variant of Uncertain Significance. This variant is not present in population databases (gnomAD no frequency). This sequence change replaces glutamine, which is neutral and polar, with glutamic acid, which is acidic and polar, at codon 667 of the EIF2AK3 protein (p.Gln667Glu).